The following is an entry in ClinVar:

NM_000531.6(OTC):c.42del (p.Phe14fs)

Gene: OTC (ornithine transcarbamylase; plus strand). Cytogenetic location: Xp11.4.
Variant type: Deletion.
Coding change: c.42del on transcript NM_000531.6 (MANE Select); coding-DNA position 42, one base deleted (T; older notation c.42delT).
Protein change: p.Phe14fs; shifts the reading frame from phenylalanine 14.
Molecular consequence: frameshift variant.
Genome position (GRCh38, 1-based): chrX:38,352,738, T deleted; the last of 4 consecutive T bases (chrX:38,352,735-38,352,738); deleting any one gives the same sequence. VCF-style (leftmost placement, unchanged base first): chrX-38352734-CT-C. GRCh37 (hg19) VCF-style: chrX-38211987-CT-C.
Other names: NM_000531.6(OTC):c.42del; p.Phe14fs; short protein forms F14fs.
Identifiers: ClinVar variation 97194 (VCV000097194.3), dbSNP rs72552298, ClinGen allele CA224593.

ClinVar aggregate classification (germline): Pathogenic. Review status: reviewed by expert panel (3 of 4 stars). 2 submissions from 2 submitters: Pathogenic (1). 1 of the submissions does not count toward it. Last evaluated 2026-05-19.

Conditions:
Ornithine carbamoyltransferase deficiency (OTCD). Also called: Ornithine Carbamoyltransferase Deficiency Disease; ORNITHINE TRANSCARBAMYLASE DEFICIENCY; OTC DEFICIENCY; ORNITHINE TRANSCARBAMYLASE DEFICIENCY, HYPERAMMONEMIA DUE TO. Identifiers: Orphanet 664, MedGen C0268542, MONDO:0010703, OMIM 311250.

Submissions (2):

Clingen Urea Cycle Disorders Variant Curation Expert Panel, ClinGen
Classification: Pathogenic for Ornithine carbamoyltransferase deficiency. Last evaluated: 2026-05-19. Review status: reviewed by expert panel. Criteria: ClinGen UreaCycles ACMG Specifications OTC V1.0. Collection method: curation. Allele origin: germline. Inheritance: X-linked inheritance.
Comment: The NM_000531.6:c.42del (p.Phe14LeufsTer24) variant in OTC is a frameshift variant predicted to cause a premature stop codon in biologically relevant exon 1/10 leading to nonsense mediated decay in a gene in which loss-of-function is an established disease mechanism (PVS1; GeneReviews). At least one heterozygous female individual with this variant displayed elevated ammonia, low/normal citrulline and elevated urine orotic acid, which is highly specific for Ornitine Transcarbamilase (PP4_Moderate, PMID:14976564). This variant is absent from gnomAD v41.0 (PM2_Supporting). In summary, this variant meets the criteria to be classified as Pathogenic for X-linked ornithine carbamoyltransferase deficiency. ACMG/AMP criteria met, as specified by the ClinGen Urea Cycle Disorders VCEP (OTC specifications version 1.0.0): PVS1, PP4_Moderate, PM2_Supporting

GenMed Metabolism Lab
Classification: Pathogenic. Review status: no assertion criteria provided. Collection method: not provided. Allele origin: unknown. Not counted in ClinVar's aggregate classification.
Comment: Frameshift, Neonatal, Leader sequence
ClinVar note: Converted during submission from pathogenic to Pathogenic.